The following is an entry in ClinVar:

ClinVar aggregate classification (germline): Uncertain significance (1 of 4 stars; one submission).

Allele frequency attached by ClinVar (database versions not stated): gnomAD exomes below 0.00001; ExAC 0.00001.

Submission:

Labcorp Genetics (formerly Invitae), Labcorp
Classification: Uncertain significance. Last evaluated: 2021-11-23. Review status: criteria provided, single submitter. Criteria: Invitae Variant Classification Sherloc (09022015). Collection method: clinical testing. Allele origin: germline.
Comment: In summary, the available evidence is currently insufficient to determine the role of this variant in disease. Therefore, it has been classified as a Variant of Uncertain Significance. Algorithms developed to predict the effect of missense changes on protein structure and function (SIFT, PolyPhen-2, Align-GVGD) all suggest that this variant is likely to be disruptive. This variant has not been reported in the literature in individuals affected with MYH7B-related conditions. This variant is present in population databases (rs779307780, gnomAD 0.003%). This sequence change replaces arginine, which is basic and polar, with glutamine, which is neutral and polar, at codon 231 of the MYH7B protein (p.Arg231Gln).

NM_020884.7(MYH7B):c.566G>A (p.Arg189Gln)

Gene: MYH7B (myosin heavy chain 7B; plus strand). Cytogenetic location: 20q11.22.
Variant type: single nucleotide variant.
Coding change: c.566G>A on transcript NM_020884.7 (MANE Select); coding-DNA position 566, G replaced by A.
Protein change: p.Arg189Gln; replaces arginine 189 with glutamine.
Molecular consequence: missense variant.
Genome position (GRCh38, 1-based): chr20:34,982,497, G>A. VCF-style: chr20-34982497-G-A. GRCh37 (hg19) VCF-style: chr20-33570300-G-A.
Other names: short protein forms R189Q.
Identifiers: ClinVar variation 1385403 (VCV001385403.6), dbSNP rs779307780, ClinGen allele CA9826513.